The following is an entry in ClinVar:

NM_000388.4(CASR):c.865A>G (p.Thr289Ala)

Gene: CASR (calcium sensing receptor; plus strand). Cytogenetic location: 3q21.1.
Variant type: single nucleotide variant.
Coding change: c.865A>G on transcript NM_000388.4 (MANE Select); coding-DNA position 865, A replaced by G.
Protein change: p.Thr289Ala; replaces threonine 289 with alanine.
Molecular consequence: missense variant.
Genome position (GRCh38, 1-based): chr3:122,261,900, A>G. VCF-style: chr3-122261900-A-G. GRCh37 (hg19) VCF-style: chr3-121980747-A-G.
Other names: c.865A>G, p.Thr289Ala (NM_001178065.2); short protein forms T289A.
Identifiers: ClinVar variation 573012 (VCV000573012.12), dbSNP rs1559959294, ClinGen allele CA354151517.
Genomic context (GRCh38, chr3:122,261,900, plus strand): 5'-GTTTTCTCCAGTGGCCCAGATCTTGAGCCCCTCATCAAGGAGATTGTCCGGCGCAATATC[A>G]CGGGCAAGATCTGGCTGGCCAGCGAGGCCTGGGCCAGCTCCTCCCTGATCGCCATGCCTC-3'
Protein context (NP_000379.3, residues 279-299): LIKEIVRRNI[Thr289Ala]GKIWLASEAW

ClinVar aggregate classification (germline): Conflicting classifications of pathogenicity. Review status: criteria provided, conflicting classifications (1 of 4 stars). 3 submissions from 3 submitters: Uncertain significance (2); Likely benign (1). Last evaluated 2025-09-15.

Conditions:
Familial hypocalciuric hypercalcemia (FHH). Also called: Familial benign hypercalcemia. Identifiers: Orphanet 405, MedGen C1809471, MONDO:0018458.
Autosomal dominant hypocalcemia 1 (HYPOC1). Also called: HYPOCALCEMIA, FAMILIAL. Identifiers: MedGen C3715128, MONDO:0011013, OMIM 601198.
Nephrolithiasis/nephrocalcinosis. Identifiers: MedGen CN580796.
Epilepsy, idiopathic generalized, susceptibility to, 8. Identifiers: MedGen C2752062, MONDO:0013032, OMIM 612899.
Neonatal severe primary hyperparathyroidism. Identifiers: Orphanet 417, MedGen C1832615, MONDO:0009397, OMIM 239200.
Familial hypocalciuric hypercalcemia 1. Also called: Hypercalcemia, familial benign type 1. Identifiers: Orphanet 405, Orphanet 93372, MedGen C0342637, MONDO:0007791, OMIM 145980.

Allele frequency attached by ClinVar (database versions not stated): gnomAD exomes 0.00001; TOPMed 0.00001.
gnomAD v4.1: 9 of 1,614,188 alleles (0.00056%); highest among the groups gnomAD compares: African/African-American, 0.0013%; no homozygotes.

Submissions (3):

Labcorp Genetics (formerly Invitae), Labcorp
Classification: Likely benign for Familial hypocalciuric hypercalcemia; Autosomal dominant hypocalcemia 1. Last evaluated: 2025-09-15. Review status: criteria provided, single submitter. Criteria: Invitae Variant Classification Sherloc (09022015). Collection method: clinical testing. Allele origin: germline.

Ambry Genetics
Classification: Uncertain significance for Nephrolithiasis/nephrocalcinosis. Last evaluated: 2023-11-10. Review status: criteria provided, single submitter. Criteria: Ambry Variant Classification Scheme 2023. Collection method: clinical testing. Allele origin: germline.
Comment: The p.T289A variant (also known as c.865A>G), located in coding exon 3 of the CASR gene, results from an A to G substitution at nucleotide position 865. The threonine at codon 289 is replaced by alanine, an amino acid with similar properties. This amino acid position is conserved. In addition, this alteration is predicted to be deleterious by in silico analysis. Since supporting evidence is limited at this time, the clinical significance of this alteration remains unclear.

Fulgent Genetics
Classification: Uncertain significance for Familial hypocalciuric hypercalcemia 1; Neonatal severe primary hyperparathyroidism; Autosomal dominant hypocalcemia 1; Epilepsy, idiopathic generalized, susceptibility to, 8. Last evaluated: 2022-05-06. Review status: criteria provided, single submitter. Criteria: ACMG Guidelines, 2015. Collection method: clinical testing. Allele origin: unknown.